The following is an entry in ClinVar:

NM_006929.5(SKIC2):c.112G>C (p.Ala38Pro)

Gene: SKIC2 (SKI2 subunit of superkiller complex; plus strand). Cytogenetic location: 6p21.33.
Variant type: single nucleotide variant.
Coding change: c.112G>C on transcript NM_006929.5 (MANE Select); coding-DNA position 112, G replaced by C.
Protein change: p.Ala38Pro; replaces alanine 38 with proline.
Molecular consequence: missense variant.
Genome position (GRCh38, 1-based): chr6:31,959,386, G>C. VCF-style: chr6-31959386-G-C. GRCh37 (hg19) VCF-style: chr6-31927163-G-C.
Other names: short protein forms A38P.
Identifiers: ClinVar variation 1355236 (VCV001355236.6), dbSNP rs2151802041, ClinGen allele CA363433272.
Genomic context (GRCh38, chr6:31,959,386, plus strand): 5'-CCCCTTCGGGCCGTGGAGCTCGGATGCACGGGGCACTGGGAGCTGCTGAACTTGCCTGGA[G>C]CTCCAGAGAGTAGCGTGAGTGACTTTTGACCCTAACCTTTGACCCGCATTGAGTCCAAAC-3'
Protein context (NP_008860.4, residues 28-48): GHWELLNLPG[Ala38Pro]PESSLPHGLP

ClinVar aggregate classification (germline): Uncertain significance (1 of 4 stars; one submission).

Submission:

Labcorp Genetics (formerly Invitae), Labcorp
Classification: Uncertain significance. Last evaluated: 2022-07-11. Review status: criteria provided, single submitter. Criteria: Invitae Variant Classification Sherloc (09022015). Collection method: clinical testing. Allele origin: germline.
Comment: This variant is not present in population databases (gnomAD no frequency). In summary, the available evidence is currently insufficient to determine the role of this variant in disease. Therefore, it has been classified as a Variant of Uncertain Significance. Algorithms developed to predict the effect of missense changes on protein structure and function output the following: SIFT: "Tolerated"; PolyPhen-2: "Benign"; Align-GVGD: "Class C0". The proline amino acid residue is found in multiple mammalian species, which suggests that this missense change does not adversely affect protein function. ClinVar contains an entry for this variant (Variation ID: 1355236). This variant has not been reported in the literature in individuals affected with SKIV2L-related conditions. This sequence change replaces alanine, which is neutral and non-polar, with proline, which is neutral and non-polar, at codon 38 of the SKIV2L protein (p.Ala38Pro).